The following is an entry in ClinVar:

ClinVar aggregate classification (germline): Uncertain significance (1 of 4 stars; one submission).

Submission:

Labcorp Genetics (formerly Invitae), Labcorp
Classification: Uncertain significance. Last evaluated: 2022-12-13. Review status: criteria provided, single submitter. Criteria: Invitae Variant Classification Sherloc (09022015). Collection method: clinical testing. Allele origin: germline.
Comment: Variants that disrupt the consensus splice site are a relatively common cause of aberrant splicing (PMID: 17576681, 9536098). Algorithms developed to predict the effect of sequence changes on RNA splicing suggest that this variant is not likely to affect RNA splicing. In summary, the available evidence is currently insufficient to determine the role of this variant in disease. Therefore, it has been classified as a Variant of Uncertain Significance. This variant has not been reported in the literature in individuals affected with HNF1A-related conditions. This variant is not present in population databases (gnomAD no frequency). This sequence change falls in intron 3 of the HNF1A gene. It does not directly change the encoded amino acid sequence of the HNF1A protein. It affects a nucleotide within the consensus splice site.

Literature cited by the submitters: PubMed 17576681; PubMed 9536098.

NM_000545.8(HNF1A):c.713+4C>A

Gene: HNF1A (HNF1 homeobox A; plus strand). Cytogenetic location: 12q24.31.
Variant type: single nucleotide variant.
Coding change: c.713+4C>A on transcript NM_000545.8 (MANE Select); 4 bases into the intron after coding-DNA position 713, C replaced by A.
Molecular consequence: intron variant.
Genome position (GRCh38, 1-based): chr12:120,993,710, C>A. VCF-style: chr12-120993710-C-A. GRCh37 (hg19) VCF-style: chr12-121431513-C-A.
Other names: c.713+4C>A (NM_001306179.2, NM_001406915.1).
Identifiers: ClinVar variation 2820559 (VCV002820559.3), dbSNP rs763028626, ClinGen allele CA2727057721.